The following is an entry in ClinVar:

ClinVar aggregate classification (germline): Uncertain significance (1 of 4 stars; one submission).

gnomAD v4.1: 9 of 1,612,830 alleles (0.00056%); highest among the groups gnomAD compares: Non-Finnish European, 0.00068%; no homozygotes.

Submission:

Women's Health and Genetics/Laboratory Corporation of America, LabCorp
Classification: Uncertain significance. Last evaluated: 2026-03-10. Review status: criteria provided, single submitter. Criteria: LabCorp Variant Classification Summary - May 2015. Collection method: clinical testing. Allele origin: germline.
Comment: Variant summary: CHST6 c.363C>G (p.Phe121Leu) results in a non-conservative amino acid change in the encoded protein sequence. Algorithms developed to predict the effect of missense changes on protein structure and function all suggest that this variant is likely to be disruptive. The variant was absent in 248822 control chromosomes. c.363C>G has been observed in at least one homozygous and one compound heterozygous individual affected with Macular Corneal Dystrophy (e.g. Sultana_2003, Klintworth_2006). These data indicate that the variant may be associated with disease. To our knowledge, no experimental evidence demonstrating an impact on protein function has been reported. The following publications have been ascertained in the context of this evaluation (PMID: 16568029, 14735064). No submitters have cited clinical-significance assessments for this variant to ClinVar. Based on the evidence outlined above, the variant was classified as VUS-possibly pathogenic.

Literature cited by the submitters: PubMed 16568029; PubMed 14735064.

NM_021615.5(CHST6):c.363C>G (p.Phe121Leu)

Gene: CHST6 (carbohydrate sulfotransferase 6; minus strand). Cytogenetic location: 16q23.1.
Variant type: single nucleotide variant.
Coding change: c.363C>G on transcript NM_021615.5 (MANE Select); coding-DNA position 363, C replaced by G.
Protein change: p.Phe121Leu; replaces phenylalanine 121 with leucine.
Molecular consequence: missense variant.
Genome position (GRCh38, 1-based): chr16:75,479,466, G>C on the plus strand (C>G on the coding strand, the complement: CHST6 is on the minus strand). VCF-style: chr16-75479466-G-C. GRCh37 (hg19) VCF-style: chr16-75513364-G-C.
Other names: short protein forms F121L.
Identifiers: ClinVar variation 4847341 (VCV004847341.1).
Genomic context (GRCh38, chr16:75,479,466, plus strand): 5'-GCCTCGGGGAAAGGCACTGCAGGCGGGTGGCGAGCACAGTGCACGGCTCACGGCCCACTG[G>C]AAGAGGTCGGACAGGTTGCGGCGCCAAGGCAGATAGGCATCAAACACGTCCATGTCGCAC-3'
Protein context (NP_067628.1, residues 111-131): LPWRRNLSDL[Phe121Leu]QWAVSRALCS